The following is an entry in ClinVar:

NM_000179.3(MSH6):c.3943_3944dup (p.Gly1316fs)

Gene: MSH6 (mutS homolog 6; plus strand). Cytogenetic location: 2p16.3.
Variant type: Duplication.
Coding change: c.3943_3944dup on transcript NM_000179.3 (MANE Select); coding-DNA positions 3943 to 3944, 2 bases duplicated (AA; older notation c.3943_3944dupAA).
Protein change: p.Gly1316fs; shifts the reading frame from glycine 1316.
Molecular consequence: frameshift variant.
Genome position (GRCh38, 1-based): chr2:47,806,593-47,806,594, AA duplicated; duplicating any 2 consecutive bases within chr2:47,806,591-47,806,594 gives the same sequence; the c. name uses the placement nearest the transcript's 3' end. VCF-style (leftmost placement, unchanged base first): chr2-47806590-C-CAA. GRCh37 (hg19) VCF-style: chr2-48033729-C-CAA.
Other names: c.3553_3554dup, p.Gly1186fs (NM_001281492.2); c.3037_3038dup, p.Gly1014fs (NM_001281493.2, NM_001281494.2); short protein forms G1014fs, G1186fs, G1316fs.
Identifiers: ClinVar variation 1179973 (VCV001179973.2), dbSNP rs2104563446, ClinGen allele CA2499216144.

ClinVar aggregate classification (germline): Pathogenic (1 of 4 stars; one submission).

Submission:

GeneDx
Classification: Pathogenic. Last evaluated: 2019-07-01. Review status: criteria provided, single submitter. Criteria: GeneDx Variant Classification Process June 2021. Collection method: clinical testing. Allele origin: germline. Affected: yes.
Comment: Frameshift variant predicted to result in protein truncation in a gene for which loss-of-function is a known mechanism of disease; Not observed in large population cohorts (Lek et al., 2016); Has not been previously published as pathogenic or benign to our knowledge